The following is an entry in ClinVar:

NM_006206.6(PDGFRA):c.2730G>C (p.Lys910Asn)

Gene: PDGFRA (platelet derived growth factor receptor alpha; plus strand). Cytogenetic location: 4q12.
Variant type: single nucleotide variant.
Coding change: c.2730G>C on transcript NM_006206.6 (MANE Select); coding-DNA position 2730, G replaced by C.
Protein change: p.Lys910Asn; replaces lysine 910 with asparagine.
Molecular consequence: missense variant.
Genome position (GRCh38, 1-based): chr4:54,288,854, G>C. VCF-style: chr4-54288854-G-C. GRCh37 (hg19) VCF-style: chr4-55155021-G-C.
Other names: c.2805G>C, p.Lys935Asn (NM_001347828.2); c.2730G>C, p.Lys910Asn (NM_001347829.2); c.2769G>C, p.Lys923Asn (NM_001347830.2); short protein forms K923N, K935N, K910N.
Identifiers: ClinVar variation 957685 (VCV000957685.10), dbSNP rs1724482523, ClinGen allele CA356895524.

ClinVar aggregate classification (germline): Uncertain significance (1 of 4 stars; one submission).

Conditions:
Gastrointestinal stromal tumor. Also called: Gastrointestinal stromal tumor, somatic; Gastrointestinal stroma tumor. Identifiers: Orphanet 44890, MedGen C0238198, MeSH D046152, MONDO:0011719, OMIM 606764, HP:0100723.

Submission:

Labcorp Genetics (formerly Invitae), Labcorp
Classification: Uncertain significance for Gastrointestinal stromal tumor. Last evaluated: 2020-02-06. Review status: criteria provided, single submitter. Criteria: Invitae Variant Classification Sherloc (09022015). Collection method: clinical testing. Allele origin: germline.
Comment: In summary, the available evidence is currently insufficient to determine the role of this variant in disease. Therefore, it has been classified as a Variant of Uncertain Significance. Algorithms developed to predict the effect of missense changes on protein structure and function (SIFT, PolyPhen-2, Align-GVGD) all suggest that this variant is likely to be tolerated, but these predictions have not been confirmed by published functional studies and their clinical significance is uncertain. This variant has not been reported in the literature in individuals with PDGFRA-related conditions. This variant is not present in population databases (ExAC no frequency). This sequence change replaces lysine with asparagine at codon 910 of the PDGFRA protein (p.Lys910Asn). The lysine residue is highly conserved and there is a moderate physicochemical difference between lysine and asparagine.